The following is an entry in ClinVar:

ClinVar aggregate classification (germline): Uncertain significance (1 of 4 stars; one submission).

Conditions:
Inborn genetic diseases. Identifiers: MedGen C0950123, MeSH D030342.

Submission:

Ambry Genetics
Classification: Uncertain significance for Inborn genetic diseases. Last evaluated: 2021-08-25. Review status: criteria provided, single submitter. Criteria: Ambry Variant Classification Scheme 2023. Collection method: clinical testing. Allele origin: germline.
Comment: The c.444-4T>A intronic alteration results from a T to A substitution 4 nucleotides before coding exon 6 of the KDM6A gene. This variant was not reported in population-based cohorts in the Genome Aggregation Database (gnomAD). This nucleotide position is not well conserved in available vertebrate species. In silico splice site analysis predicts that this alteration will not have any significant effect on splicing. Based on insufficient or conflicting evidence, the clinical significance of this alteration remains unclear.

NM_001291415.2(KDM6A):c.444-4T>A

Gene: KDM6A (lysine demethylase 6A; plus strand). Cytogenetic location: Xp11.3.
Variant type: single nucleotide variant.
Coding change: c.444-4T>A on transcript NM_001291415.2 (MANE Select); 4 bases into the intron before coding-DNA position 444, T replaced by A.
Molecular consequence: intron variant.
Genome position (GRCh38, 1-based): chrX:45,020,606, T>A. VCF-style: chrX-45020606-T-A. GRCh37 (hg19) VCF-style: chrX-44879851-T-A.
Other names: c.444-4T>A (NM_021140.4, NM_001291416.2, NM_001291417.2 and 1 more transcripts); c.-190+9587T>A (NM_001291421.2).
Identifiers: ClinVar variation 2240933 (VCV002240933.2), dbSNP rs2147664456, ClinGen allele CA2580100969.
Genomic context (GRCh38, chrX:45,020,606, plus strand): 5'-CTACCAAGCAAGAATTCATGCACGTGTTAAAAAGTTAAGATATCTTATGTCTATATTCTT[T>A]CAGGGCAATTAAAGCATTTCAGGAGGTGCTTTATGTTGATCCCAGCTTTTGTCGAGCCAA-3'